The following is an entry in ClinVar:

ClinVar aggregate classification (germline): Uncertain significance (1 of 4 stars; one submission).

Conditions:
Multiple endocrine neoplasia, type 2 (MEN2). Identifiers: Orphanet 653, MedGen C4048306, MONDO:0019003. Disease mechanism: gain of function.

gnomAD v4.1: 2 of 1,608,524 alleles (0.00012%); highest among the groups gnomAD compares: Non-Finnish European, 0.00017%; no homozygotes.

Submission:

Labcorp Genetics (formerly Invitae), Labcorp
Classification: Uncertain significance for Multiple endocrine neoplasia, type 2. Last evaluated: 2025-04-20. Review status: criteria provided, single submitter. Criteria: Invitae Variant Classification Sherloc (09022015). Collection method: clinical testing. Allele origin: germline.
Comment: This sequence change replaces valine, which is neutral and non-polar, with methionine, which is neutral and non-polar, at codon 637 of the RET protein (p.Val637Met). This variant is not present in population databases (gnomAD no frequency). This variant has not been reported in the literature in individuals affected with RET-related conditions. An algorithm developed to predict the effect of missense changes on protein structure and function (PolyPhen-2) suggests that this variant is likely to be tolerated. In summary, the available evidence is currently insufficient to determine the role of this variant in disease. Therefore, it has been classified as a Variant of Uncertain Significance.

NM_020975.6(RET):c.1909G>A (p.Val637Met)

Gene: RET (ret proto-oncogene; plus strand). Cytogenetic location: 10q11.21.
Variant type: single nucleotide variant.
Coding change: c.1909G>A on transcript NM_020975.6 (MANE Select); coding-DNA position 1909, G replaced by A.
Protein change: p.Val637Met; replaces valine 637 with methionine.
Molecular consequence: missense variant. On other transcripts: intron variant (4).
Genome position (GRCh38, 1-based): chr10:43,114,509, G>A. VCF-style: chr10-43114509-G-A. GRCh37 (hg19) VCF-style: chr10-43609957-G-A.
Other names: c.1147G>A, p.Val383Met (NM_001355216.2); c.1909G>A, p.Val637Met (NM_001406743.1, NM_001406744.1, NM_001406759.1 and 2 more transcripts); c.1780G>A, p.Val594Met (NM_001406761.1, NM_001406762.1, NM_001406764.1); c.1621G>A, p.Val541Met (NM_001406766.1, NM_001406767.1, NM_001406770.1); c.1513G>A, p.Val505Met (NM_001406769.1, NM_001406772.1); c.1471G>A, p.Val491Met (NM_001406771.1, NM_001406773.1); c.1384G>A, p.Val462Met (NM_001406774.1); c.1183G>A, p.Val395Met (NM_001406775.1, NM_001406776.1, NM_001406777.1 and 1 more transcripts); and 10 more; short protein forms V154M, V307M, V338M, V505M, V594M, V637M, V383M, V491M.
Identifiers: ClinVar variation 4712237 (VCV004712237.1).
Genomic context (GRCh38, chr10:43,114,509, plus strand): 5'-GTGCCAAGCCTCACACCACCCCCACCCACAGATCCACTGTGCGACGAGCTGTGCCGCACG[G>A]TGATCGCAGCCGCTGTCCTCTTCTCCTTCATCGTCTCGGTGCTGCTGTCTGCCTTCTGCA-3'
Protein context (NP_066124.1, residues 627-647): DPLCDELCRT[Val637Met]IAAAVLFSFI